The following is an entry in ClinVar:

ClinVar aggregate classification (germline): Likely benign. Review status: criteria provided, multiple submitters, no conflicts (2 of 4 stars). 2 submissions from 2 submitters: Likely benign (2). Last evaluated 2024-11-27.

Conditions:
Dilated cardiomyopathy 1G (CMD1G). Identifiers: Orphanet 154, MedGen C1858763, MONDO:0011400, OMIM 604145.
Autosomal recessive limb-girdle muscular dystrophy type 2J (LGMDR10). Also called: Limb-girdle muscular dystrophy, type 2J; MUSCULAR DYSTROPHY, LIMB-GIRDLE, AUTOSOMAL RECESSIVE 10. Identifiers: Orphanet 140922, MedGen C1837342, MONDO:0012127, OMIM 608807.

Allele frequency attached by ClinVar (database versions not stated): gnomAD 0.00001; gnomAD exomes 0.00001; TOPMed 0.00002.
gnomAD v4.1: 13 of 1,610,318 alleles (0.00081%); highest among the groups gnomAD compares: Non-Finnish European, 0.000085%; no homozygotes.

Submissions (2):

Labcorp Genetics (formerly Invitae), Labcorp
Classification: Likely benign for Dilated cardiomyopathy 1G; Autosomal recessive limb-girdle muscular dystrophy type 2J. Last evaluated: 2024-11-27. Review status: criteria provided, single submitter. Criteria: Invitae Variant Classification Sherloc (09022015). Collection method: clinical testing. Allele origin: germline.

GeneDx
Classification: Likely benign. Last evaluated: 2017-01-20. Review status: criteria provided, single submitter. Criteria: GeneDx Variant Classification (06012015). Collection method: clinical testing. Allele origin: germline. Affected: yes.
Comment: This variant is considered likely benign or benign based on one or more of the following criteria: it is a conservative change, it occurs at a poorly conserved position in the protein, it is predicted to be benign by multiple in silico algorithms, and/or has population frequency not consistent with disease.

NM_001267550.2(TTN):c.64673-9T>C

Genes: TTN-AS1 (TTN antisense RNA 1; plus strand), TTN (titin; minus strand). Cytogenetic location: 2q31.2.
Variant type: single nucleotide variant.
Coding change: c.64673-9T>C on transcript NM_001267550.2 (MANE Select); 9 bases into the intron before coding-DNA position 64673, T replaced by C.
Molecular consequence: intron variant. On other transcripts: non-coding transcript variant (1).
Genome position (GRCh38, 1-based): chr2:178,584,977, A>G on the plus strand (T>C on the coding strand, the complement: TTN is on the minus strand). VCF-style: chr2-178584977-A-G. GRCh37 (hg19) VCF-style: chr2-179449704-A-G.
Other names: c.37478-9T>C (NM_003319.4); c.38054-9T>C (NM_133437.4); c.37853-9T>C (NM_133432.3); c.56969-9T>C (NM_133378.4); c.59750-9T>C (NM_001256850.1).
Identifiers: ClinVar variation 507000 (VCV000507000.10), dbSNP rs1370943867, ClinGen allele CA430263393.
Genomic context (GRCh38, chr2:178,584,977, plus strand): 5'-TCAGCGTCTATATCAGAAATGTCAAATGGAGGCTGAGGGGGGCCGGGGGCATCTACATGA[A>G]CCAAGAGGAAAGAAATGTAAGAACAAGGATTTGATACGTAAAAATATTTCTGAGCTTCAT-3'